The following is an entry in ClinVar:

NM_001943.5(DSG2):c.952G>A (p.Gly318Arg)

Gene: DSG2 (desmoglein 2; plus strand). Cytogenetic location: 18q12.1.
Variant type: single nucleotide variant.
Coding change: c.952G>A on transcript NM_001943.5 (MANE Select); coding-DNA position 952, G replaced by A.
Protein change: p.Gly318Arg; replaces glycine 318 with arginine.
Molecular consequence: missense variant.
Genome position (GRCh38, 1-based): chr18:31,524,826, G>A. VCF-style: chr18-31524826-G-A. GRCh37 (hg19) VCF-style: chr18-29104789-G-A.
Other names: short protein forms G318R.
Identifiers: ClinVar variation 3637546 (VCV003637546.2).
Genomic context (GRCh38, chr18:31,524,826, plus strand): 5'-GCAGATGAAATAGGTTCTGATAATTGGCTGGCAAATTTTACATTTGCATCAGGAAATGAA[G>A]GAGGTTATTTCCACATAGAAACAGATGCTCAAACTAACGAAGGAATTGTGACCCTTATTA-3'
Protein context (NP_001934.2, residues 308-328): ANFTFASGNE[Gly318Arg]GYFHIETDAQ

ClinVar aggregate classification (germline): Uncertain significance (1 of 4 stars; one submission).

Conditions:
Arrhythmogenic right ventricular dysplasia 10. Also called: Arrhythmogenic Right Ventricular Dysplasia/Cardiomyopathy10; Arrhythmogenic right ventricular dysplasia/cardiomyopathy, type 10; ARRHYTHMOGENIC RIGHT VENTRICULAR DYSPLASIA, FAMILIAL, 10. Identifiers: MedGen C1857777, MONDO:0012434, OMIM 610193.

Submission:

Labcorp Genetics (formerly Invitae), Labcorp
Classification: Uncertain significance for Arrhythmogenic right ventricular dysplasia 10. Last evaluated: 2024-12-11. Review status: criteria provided, single submitter. Criteria: Invitae Variant Classification Sherloc (09022015). Collection method: clinical testing. Allele origin: germline.
Comment: This sequence change replaces glycine, which is neutral and non-polar, with arginine, which is basic and polar, at codon 318 of the DSG2 protein (p.Gly318Arg). This variant is not present in population databases (gnomAD no frequency). This variant has not been reported in the literature in individuals affected with DSG2-related conditions. Invitae Evidence Modeling of protein sequence and biophysical properties (such as structural, functional, and spatial information, amino acid conservation, physicochemical variation, residue mobility, and thermodynamic stability) indicates that this missense variant is not expected to disrupt DSG2 protein function with a negative predictive value of 95%. In summary, the available evidence is currently insufficient to determine the role of this variant in disease. Therefore, it has been classified as a Variant of Uncertain Significance.